The following is an entry in ClinVar:

ClinVar aggregate classification (germline): Uncertain significance (1 of 4 stars; one submission).

Conditions:
MELAS syndrome (MELAS). Also called: Juvenile myopathy, encephalopathy, lactic acidosis, stroke. Identifiers: Orphanet 550, MedGen C0162671, MONDO:0010789, OMIM 540000.

Submission:

Wong Mito Lab, Molecular and Human Genetics, Baylor College of Medicine
Classification: Uncertain significance for MELAS syndrome. Last evaluated: 2019-07-12. Review status: criteria provided, single submitter. Criteria: Modified ACMG Guidelines (Unpublished). Collection method: clinical testing. Allele origin: germline.
Comment: The NC_012920.1:m.5889A>G variant in MT-TY gene is interpreted to be a Unknown Significance variant based on the modified ACMG guidelines (unpublished). This variant meets the following evidence codes reported in the guidelines: PP3, PP6, PP7

Literature cited by the submitters: PubMed 31965079.

NC_012920.1(MT-TY):m.5889A>G

Gene: MT-TY (mitochondrially encoded tRNA tyrosine; minus strand).
Variant type: single nucleotide variant.
Genome position: chrM-5889-A-G.
Identifiers: ClinVar variation 690025 (VCV000690025.1), dbSNP rs1603220167, ClinGen allele CA913180786.